The following is an entry in ClinVar:

ClinVar aggregate classification (germline): Uncertain significance (1 of 4 stars; one submission).

Conditions:
Intellectual developmental disorder, X-linked, syndromic, Raymond type. Also called: Syndromic X-linked intellectual disability Raymond type. Identifiers: MedGen C3275406, MONDO:0010427, OMIM 300799.

Submission:

Labcorp Genetics (formerly Invitae), Labcorp
Classification: Uncertain significance for Intellectual developmental disorder, X-linked, syndromic, Raymond type. Last evaluated: 2019-11-04. Review status: criteria provided, single submitter. Criteria: Invitae Variant Classification Sherloc (09022015). Collection method: clinical testing. Allele origin: germline.
Comment: This sequence change replaces proline with arginine at codon 18 of the ZDHHC9 protein (p.Pro18Arg). The proline residue is highly conserved and there is a moderate physicochemical difference between proline and arginine. This variant is not present in population databases (ExAC no frequency). This variant has not been reported in the literature in individuals with ZDHHC9-related conditions. Algorithms developed to predict the effect of missense changes on protein structure and function (SIFT, PolyPhen-2, Align-GVGD) all suggest that this variant is likely to be disruptive, but these predictions have not been confirmed by published functional studies and their clinical significance is uncertain. In summary, the available evidence is currently insufficient to determine the role of this variant in disease. Therefore, it has been classified as a Variant of Uncertain Significance.

NM_016032.4(ZDHHC9):c.53C>G (p.Pro18Arg)

Gene: ZDHHC9 (zDHHC palmitoyltransferase 9; minus strand). Cytogenetic location: Xq26.1.
Variant type: single nucleotide variant.
Coding change: c.53C>G on transcript NM_016032.4 (MANE Select); coding-DNA position 53, C replaced by G.
Protein change: p.Pro18Arg; replaces proline 18 with arginine.
Molecular consequence: missense variant.
Genome position (GRCh38, 1-based): chrX:129,841,893, G>C on the plus strand (C>G on the coding strand, the complement: ZDHHC9 is on the minus strand). VCF-style: chrX-129841893-G-C. GRCh37 (hg19) VCF-style: chrX-128975869-G-C.
Other names: c.53C>G, p.Pro18Arg (NM_001008222.3); short protein forms P18R.
Identifiers: ClinVar variation 960915 (VCV000960915.9), dbSNP rs1928391209, ClinGen allele CA414627269.